The following is an entry in ClinVar:

NM_032178.3(SLC7A6OS):c.759C>G (p.Tyr253Ter)

Gene: SLC7A6OS (solute carrier family 7 member 6 opposite strand; minus strand). Cytogenetic location: 16q22.1.
Variant type: single nucleotide variant.
Coding change: c.759C>G on transcript NM_032178.3 (MANE Select); coding-DNA position 759, C replaced by G.
Protein change: p.Tyr253Ter; replaces tyrosine 253 with a stop codon.
Molecular consequence: nonsense.
Genome position (GRCh38, 1-based): chr16:68,302,421, G>C on the plus strand (C>G on the coding strand, the complement: SLC7A6OS is on the minus strand). VCF-style: chr16-68302421-G-C. GRCh37 (hg19) VCF-style: chr16-68336324-G-C.
Other names: short protein forms Y253*.
Identifiers: ClinVar variation 2627264 (VCV002627264.1), dbSNP rs764496408, ClinGen allele CA396439658.

ClinVar aggregate classification (germline): Uncertain significance (1 of 4 stars; one submission).

Submission:

Women's Health and Genetics/Laboratory Corporation of America, LabCorp
Classification: Uncertain significance. Last evaluated: 2023-09-01. Review status: criteria provided, single submitter. Criteria: LabCorp Variant Classification Summary - May 2015. Collection method: clinical testing. Allele origin: germline.
Comment: Variant summary: SLC7A6OS c.759C>G (p.Tyr253X) results in a premature termination codon and is predicted to cause a truncation of the encoded protein. Although the variant is not predicted to cause absence of the protein through nonsense mediated decay, the variant disrupts the last 57 amino acids in the protein sequence. The molecular mechanism of disease attributed to SLC7A6OS is currently unknown. The variant was absent in 251472 control chromosomes (gnomAD). The available data on variant occurrences in the general population are insufficient to allow any conclusion about variant significance. To our knowledge, no occurrence of c.759C>G in individuals affected with Epilepsy, Progressive Myoclonic, 12 and no experimental evidence demonstrating its impact on protein function have been reported. No submitters have cited clinical-significance assessments for this variant to ClinVar after 2014. Based on the evidence outlined above, the variant was classified as uncertain significance.